The following is an entry in ClinVar:

ClinVar aggregate classification (germline): Pathogenic. Review status: reviewed by expert panel (3 of 4 stars). 3 submissions from 3 submitters: Pathogenic (1). 2 of the submissions do not count toward it. Last evaluated 2026-09-22.

Conditions:
Immunodeficiency 104. Also called: Severe combined immunodeficiency, autosomal recessive, T cell-negative, B cell-positive, NK cell-positive; Severe Combined Immune Deficiency, Autosomal Recessive, TCell -Negative, B Cell-Positive, NK Cell-Positive, IL7R-Related; SCID, AUTOSOMAL RECESSIVE, T CELL-NEGATIVE, B CELL-POSITIVE, NK CELL-POSITIVE; IMMUNODEFICIENCY 104, SEVERE COMBINED. Identifiers: MedGen C5676890, MONDO:0012163, OMIM 608971.

Allele frequency attached by ClinVar (database versions not stated): gnomAD exomes below 0.00001; ExAC 0.00001.
gnomAD v4.1: 1 of 1,608,312 alleles (0.000062%); highest among the groups gnomAD compares: South Asian, 0.0011%; no homozygotes.

Submissions (3):

ClinGen Severe Combined Immunodeficiency Variant Curation Expert Panel, ClinGen
Classification: Pathogenic for Immunodeficiency 104. Last evaluated: 2026-09-22. Review status: reviewed by expert panel. Criteria: ClinGen SCID ACMG Specifications IL7R V2.2. Collection method: curation. Allele origin: germline. Inheritance: Autosomal recessive inheritance.
Comment: The NM_002185.5(IL7R):c.537+1G>A variant in IL7R is a canonical donor splice site (+1) of intron 4. It is predicted to cause skipping of biologically relevant exon by SpliceAI (Δ score = Donor Loss = 0.99), resulting in a frameshift leading to nonsense-mediated decay in a gene in which loss-of-function is an established disease mechanism (PVS1). The highest population minor allele frequency in gnomAD v4 is 0.000011 (1/90952 alleles) in the South Asian population (PM2_Supporting). This variant has been detected in 2 individuals with immunodeficiency. Of those individuals, 1 was compound heterozygous for c.537+1G>A and c.134A>C; p.Q45P, though not scored as this individual was already scored for PM3 for the other variant (PMID: 31031743). 1 individual was homozygous for the variant, resulting in a total of 0.5 points, as the consanguinity of the parents was not stated (PMID: 41629504) (PM3_Supporting). At least one patient was stated to be clinically diagnosed with SCID which caused a targeted SCID gene panel to be conducted which did not provide an alternative genetic explanation for the phenotype (1 point) and presented with a T-B+NK+ lymphocyte subset profile (0.25 pts) (1.5 pts, PMID: 31031743, PP4_met). In summary, this variant meets the criteria to be classified as Pathogenic for autosomal recessive SCID (T-B+NK+) based on the ACMG/AMP criteria applied, as specified by the ClinGen SCID VCEP: PVS1, PM2_Supporting, PP4, and PM3_Supporting (VCEP specifications version 2.2).

Next Generation Genetic Polyclinic
Classification: Pathogenic for Immunodeficiency 104. Last evaluated: 2025-03-14. Review status: criteria provided, single submitter. Criteria: ACMG Guidelines, 2015. Collection method: curation. Allele origin: germline. Affected: yes. Observed: 1 variant allele. Not counted in ClinVar's aggregate classification.
Comment: Canonical splice site variant in IL7R gene (c.537+1G>A), expected to disrupt normal splicing at the donor site of intron 4. Such alterations are known to result in loss of function (PVS1). The variant is absent from gnomAD and other population databases (PM2). It has been reported in patients with Severe Combined Immunodeficiency (SCID), and the phenotype matches the gene-disease relationship (PP4). Detected in a homozygous state. Classified as Pathogenic. Meets ACMG criteria: PVS1, PM2, PP4.

Labcorp Genetics (formerly Invitae), Labcorp
Classification: Pathogenic for Immunodeficiency 104. Last evaluated: 2021-04-25. Review status: criteria provided, single submitter. Criteria: Invitae Variant Classification Sherloc (09022015). Collection method: clinical testing. Allele origin: germline. Not counted in ClinVar's aggregate classification.
Comment: For these reasons, this variant has been classified as Pathogenic. This sequence change affects a donor splice site in intron 4 of the IL7R gene. It is expected to disrupt RNA splicing and likely results in an absent or disrupted protein product. This variant is present in population databases (rs777878144, ExAC no frequency). This variant has been observed in several individuals affected with severe combined immunodeficiency (PMID: 20021794, Invitae). In at least one individual the data is consistent with the variant being in trans (on the opposite chromosome) from a pathogenic variant. Algorithms developed to predict the effect of sequence changes on RNA splicing suggest that this variant may disrupt the consensus splice site, but this prediction has not been confirmed by published transcriptional studies.

Literature cited by the submitters: PubMed 20021794 (cited by Next Generation Genetic Polyclinic and Labcorp Genetics (formerly Invitae), Labcorp); PubMed 26123418 (cited by Next Generation Genetic Polyclinic); PubMed 21664875 (cited by Next Generation Genetic Polyclinic).

NM_002185.5(IL7R):c.537+1G>A

Gene: IL7R (interleukin 7 receptor; plus strand). Cytogenetic location: 5p13.2.
Variant type: single nucleotide variant.
Coding change: c.537+1G>A on transcript NM_002185.5 (MANE Select); the canonical splice donor site of the intron after coding-DNA position 537, G replaced by A.
Molecular consequence: splice donor variant.
Genome position (GRCh38, 1-based): chr5:35,871,214, G>A. VCF-style: chr5-35871214-G-A. GRCh37 (hg19) VCF-style: chr5-35871316-G-A.
Other names: c.537+1G>A (NM_001410734.1).
Identifiers: ClinVar variation 624613 (VCV000624613.14), dbSNP rs777878144, ClinGen allele CA3232000.